The following is an entry in ClinVar:

ClinVar aggregate classification (germline): Likely benign. Review status: criteria provided, multiple submitters, no conflicts (2 of 4 stars). 4 submissions from 4 submitters: Likely benign (3). 1 of the submissions does not count toward it. Last evaluated 2026-03-16.

Conditions:
NSMF-related disorder. Also called: NSMF-related condition.

Allele frequency attached by ClinVar (database versions not stated): gnomAD 0.00006 and 0.00007; TOPMed 0.00007; gnomAD exomes 0.00008 and 0.00009; ExAC 0.00010; 1000 Genomes Project 30x 0.00016.

Submissions (4):

Women's Health and Genetics/Laboratory Corporation of America, LabCorp
Classification: Likely benign. Last evaluated: 2026-03-16. Review status: criteria provided, single submitter. Criteria: LabCorp Variant Classification Summary - May 2015. Collection method: clinical testing. Allele origin: germline.

Labcorp Genetics (formerly Invitae), Labcorp
Classification: Likely benign. Last evaluated: 2025-01-14. Review status: criteria provided, single submitter. Criteria: Invitae Variant Classification Sherloc (09022015). Collection method: clinical testing. Allele origin: germline.

Blueprint Genetics
Classification: Likely benign. Last evaluated: 2024-09-25. Review status: criteria provided, single submitter. Criteria: ACMG Guidelines, 2015. Collection method: clinical testing. Allele origin: germline.

PreventionGenetics, part of Exact Sciences
Classification: Likely benign for NSMF-related condition. Last evaluated: 2019-07-09. Review status: no assertion criteria provided. Collection method: clinical testing. Allele origin: germline. Not counted in ClinVar's aggregate classification.
Comment: This variant is classified as likely benign based on ACMG/AMP sequence variant interpretation guidelines (Richards et al. 2015 PMID: 25741868, with internal and published modifications).

NM_001130969.3(NSMF):c.1110C>T (p.Pro370=)

Gene: NSMF (NMDA receptor synaptonuclear signaling and neuronal migration factor; minus strand). Cytogenetic location: 9q34.3.
Variant type: single nucleotide variant.
Coding change: c.1110C>T on transcript NM_001130969.3 (MANE Select); coding-DNA position 1110, C replaced by T.
Protein change: p.Pro370=; no amino-acid change (proline 370 retained).
Molecular consequence: synonymous variant.
Genome position (GRCh38, 1-based): chr9:137,452,757, G>A on the plus strand (C>T on the coding strand, the complement: NSMF is on the minus strand). VCF-style: chr9-137452757-G-A. GRCh37 (hg19) VCF-style: chr9-140347209-G-A.
Other names: c.1110C>T (NM_001130969.1); c.1041C>T, p.Pro347= (NM_001130970.2); c.1035C>T, p.Pro345= (NM_001130971.2); c.1020C>T, p.Pro340= (NM_001178064.2); c.1104C>T, p.Pro368= (NM_015537.5).
Identifiers: ClinVar variation 755749 (VCV000755749.9), dbSNP rs756747251, ClinGen allele CA5370213.